The following is an entry in ClinVar:

NM_005402.4(RALA):c.498+2dup

Gene: RALA (RAS like proto-oncogene A; plus strand). Cytogenetic location: 7p14.1.
Variant type: Duplication.
Coding change: c.498+2dup on transcript NM_005402.4 (MANE Select); the canonical splice donor site of the intron after coding-DNA position 498, one base duplicated (T; older notation c.498+2dupT).
Molecular consequence: splice donor variant.
Genome position (GRCh38, 1-based): chr7:39,696,861, T duplicated. VCF-style (leftmost placement, unchanged base first): chr7-39696860-G-GT. GRCh37 (hg19) VCF-style: chr7-39736459-G-GT.
Identifiers: ClinVar variation 3367489 (VCV003367489.1).

ClinVar aggregate classification (germline): Uncertain significance (1 of 4 stars; one submission).

Submission:

GeneDx
Classification: Uncertain significance. Last evaluated: 2024-01-07. Review status: criteria provided, single submitter. Criteria: GeneDx Variant Classification Process June 2021. Collection method: clinical testing. Allele origin: germline. Affected: yes.
Comment: Not observed at significant frequency in large population cohorts (gnomAD); Has not been previously published as pathogenic or benign to our knowledge; Canonical splice site variant in a gene for which loss-of-function is not an established mechanism of disease